The following is an entry in ClinVar:

ClinVar aggregate classification (germline): Uncertain significance (1 of 4 stars; one submission).

Conditions:
Bethlem myopathy 1A. Also called: Bethlem myopathy 1; MYOPATHY, BENIGN CONGENITAL, WITH CONTRACTURES; Bethlem Muscular Dystrophy. Identifiers: Orphanet 610, MedGen CN029274, MONDO:0024530, OMIM 158810.

Submission:

Labcorp Genetics (formerly Invitae), Labcorp
Classification: Uncertain significance for Bethlem myopathy 1A. Last evaluated: 2023-03-04. Review status: criteria provided, single submitter. Criteria: Invitae Variant Classification Sherloc (09022015). Collection method: clinical testing. Allele origin: germline.
Comment: In summary, the available evidence is currently insufficient to determine the role of this variant in disease. Therefore, it has been classified as a Variant of Uncertain Significance. Advanced modeling of protein sequence and biophysical properties (such as structural, functional, and spatial information, amino acid conservation, physicochemical variation, residue mobility, and thermodynamic stability) performed at Invitae indicates that this missense variant is not expected to disrupt COL6A3 protein function. This variant has not been reported in the literature in individuals affected with COL6A3-related conditions. This variant is not present in population databases (gnomAD no frequency). This sequence change replaces threonine, which is neutral and polar, with alanine, which is neutral and non-polar, at codon 1668 of the COL6A3 protein (p.Thr1668Ala).

NM_004369.4(COL6A3):c.5002A>G (p.Thr1668Ala)

Gene: COL6A3 (collagen type VI alpha 3 chain; minus strand). Cytogenetic location: 2q37.3.
Variant type: single nucleotide variant.
Coding change: c.5002A>G on transcript NM_004369.4 (MANE Select); coding-DNA position 5002, A replaced by G.
Protein change: p.Thr1668Ala; replaces threonine 1668 with alanine.
Molecular consequence: missense variant.
Genome position (GRCh38, 1-based): chr2:237,367,185, T>C on the plus strand (A>G on the coding strand, the complement: COL6A3 is on the minus strand). VCF-style: chr2-237367185-T-C. GRCh37 (hg19) VCF-style: chr2-238275828-T-C.
Other names: c.3181A>G, p.Thr1061Ala (NM_057166.5); c.4384A>G, p.Thr1462Ala (NM_057167.4); short protein forms T1462A, T1061A, T1668A.
Identifiers: ClinVar variation 2887196 (VCV002887196.3), dbSNP rs2469884395, ClinGen allele CA351189672.